The following is an entry in ClinVar:

NM_182760.4(SUMF1):c.337G>A (p.Glu113Lys)

Gene: SUMF1 (sulfatase modifying factor 1; minus strand). Cytogenetic location: 3p26.1.
Variant type: single nucleotide variant.
Coding change: c.337G>A on transcript NM_182760.4 (MANE Select); coding-DNA position 337, G replaced by A.
Protein change: p.Glu113Lys; replaces glutamic acid 113 with lysine.
Molecular consequence: missense variant.
Genome position (GRCh38, 1-based): chr3:4,452,983, C>T on the plus strand (G>A on the coding strand, the complement: SUMF1 is on the minus strand). VCF-style: chr3-4452983-C-T. GRCh37 (hg19) VCF-style: chr3-4494667-C-T.
Other names: c.337G>A, p.Glu113Lys (NM_001164674.2, NM_001164675.2); short protein forms E113K.
Identifiers: ClinVar variation 225909 (VCV000225909.11), dbSNP rs1085307107, ClinGen allele CA351793307.

ClinVar aggregate classification (germline): Pathogenic/Likely pathogenic. Review status: criteria provided, multiple submitters, no conflicts (2 of 4 stars). 4 submissions from 4 submitters: Pathogenic (1); Likely pathogenic (2). 1 of the submissions does not count toward it. Last evaluated 2025-06-24.

Conditions:
Multiple sulfatase deficiency (MSD). Also called: Mucosulfatidosis; Multiple Sulfatase Deficiency Disease; Sulfatidosis, Juvenile, Austin Type. Identifiers: Orphanet 585, MedGen C0268263, MONDO:0010088, OMIM 272200.

Allele frequency attached by ClinVar (database versions not stated): gnomAD exomes below 0.00001.
gnomAD v4.1: 2 of 1,614,134 alleles (0.00012%); highest among the groups gnomAD compares: Non-Finnish European, 0.000085%; no homozygotes.

Submissions (4):

Revvity Omics, Revvity
Classification: Likely pathogenic for Multiple sulfatase deficiency. Last evaluated: 2025-06-24. Review status: criteria provided, single submitter. Criteria: ACMG Guidelines, 2015. Collection method: clinical testing. Allele origin: germline.

Labcorp Genetics (formerly Invitae), Labcorp
Classification: Likely pathogenic for Multiple sulfatase deficiency. Last evaluated: 2024-02-16. Review status: criteria provided, single submitter. Criteria: Invitae Variant Classification Sherloc (09022015). Collection method: clinical testing. Allele origin: germline.
Comment: This sequence change replaces glutamic acid, which is acidic and polar, with lysine, which is basic and polar, at codon 113 of the SUMF1 protein (p.Glu113Lys). This variant is not present in population databases (gnomAD no frequency). This missense change has been observed in individual(s) with multiple sulfatase deficiency (PMID: 28566233). In at least one individual the data is consistent with being in trans (on the opposite chromosome) from a pathogenic variant. ClinVar contains an entry for this variant (Variation ID: 225909). Advanced modeling of protein sequence and biophysical properties (such as structural, functional, and spatial information, amino acid conservation, physicochemical variation, residue mobility, and thermodynamic stability) performed at Invitae indicates that this missense variant is expected to disrupt SUMF1 protein function with a positive predictive value of 80%. Experimental studies have shown that this missense change affects SUMF1 function (PMID: 28566233). In summary, the currently available evidence indicates that the variant is pathogenic, but additional data are needed to prove that conclusively. Therefore, this variant has been classified as Likely Pathogenic.

GeneDx
Classification: Pathogenic. Last evaluated: 2023-03-08. Review status: criteria provided, single submitter. Criteria: GeneDx Variant Classification Process June 2021. Collection method: clinical testing. Allele origin: germline. Affected: yes.
Comment: Published functional studies demonstrate a damaging effect on protein function (Jaszczuk et al., 2017); Not observed at significant frequency in large population cohorts (gnomAD); In silico analysis supports that this missense variant has a deleterious effect on protein structure/function; This variant is associated with the following publications: (PMID: 21224894, 28566233)

Children's Hospital DNA Laboratory, University Medical Center Goettingen
Classification: Pathogenic for Multiple sulfatase deficiency. Last evaluated: 2016-04-01. Review status: no assertion criteria provided. Collection method: case-control. Allele origin: germline. Affected: yes. Observed: 1 variant allele. Not counted in ClinVar's aggregate classification.

Literature cited by the submitters: PubMed 28566233 (cited by Labcorp Genetics (formerly Invitae), Labcorp); PubMed 21224894 (cited by Children's Hospital DNA Laboratory, University Medical Center Goettingen).